The following is an entry in ClinVar:

NM_207163.3(LMOD2):c.604G>A (p.Ala202Thr)

Gene: LMOD2 (leiomodin 2; plus strand). Cytogenetic location: 7q31.32.
Variant type: single nucleotide variant.
Coding change: c.604G>A on transcript NM_207163.3 (MANE Select); coding-DNA position 604, G replaced by A.
Protein change: p.Ala202Thr; replaces alanine 202 with threonine.
Molecular consequence: missense variant.
Genome position (GRCh38, 1-based): chr7:123,662,190, G>A. VCF-style: chr7-123662190-G-A. GRCh37 (hg19) VCF-style: chr7-123302244-G-A.
Other names: short protein forms A202T.
Identifiers: ClinVar variation 3344794 (VCV003344794.1).

ClinVar aggregate classification (germline): Likely benign (0 of 4 stars; one submission).

Conditions:
LMOD2-related condition.

Submission:

PreventionGenetics, part of Exact Sciences
Classification: Likely benign for LMOD2-related condition. Last evaluated: 2024-09-15. Review status: no assertion criteria provided. Collection method: clinical testing. Allele origin: germline.
Comment: This variant is classified as likely benign based on ACMG/AMP sequence variant interpretation guidelines (Richards et al. 2015 PMID: 25741868, with internal and published modifications).